The following is an entry in ClinVar:

NM_001267550.2(TTN):c.65731A>G (p.Lys21911Glu)

Genes: TTN-AS1 (TTN antisense RNA 1; plus strand), TTN (titin; minus strand). Cytogenetic location: 2q31.2.
Variant type: single nucleotide variant.
Coding change: c.65731A>G on transcript NM_001267550.2 (MANE Select); coding-DNA position 65731, A replaced by G.
Protein change: p.Lys21911Glu; replaces lysine 21911 with glutamic acid.
Molecular consequence: missense variant. On other transcripts: non-coding transcript variant (1).
Genome position (GRCh38, 1-based): chr2:178,583,072, T>C on the plus strand (A>G on the coding strand, the complement: TTN is on the minus strand). VCF-style: chr2-178583072-T-C. GRCh37 (hg19) VCF-style: chr2-179447799-T-C.
Other names: c.60808A>G, p.Lys20270Glu (NM_001256850.1); c.38536A>G, p.Lys12846Glu (NM_003319.4); c.58027A>G, p.Lys19343Glu (NM_133378.4); c.38911A>G, p.Lys12971Glu (NM_133432.3); c.39112A>G, p.Lys13038Glu (NM_133437.4); short protein forms K21911E, K20270E, K12846E, K13038E, K12971E, K19343E.
Identifiers: ClinVar variation 467383 (VCV000467383.8), dbSNP rs372565084, ClinGen allele CA1991649.
Genomic context (GRCh38, chr2:178,583,072, plus strand): 5'-AGTCCTTCCGGTTCACGCTGAATAGCTCCAAGGTGCACAGATTCCGCTGCATGGCCATCT[T>C]TATGCCTTCTGCTGGTTTTAGCAGTGTGCCATCTTTTTTCCAAGAAACTGTTGGCATCGG-3'
Protein context (NP_001254479.2, residues 21901-21921): GTLLKPAEGI[Lys21911Glu]MAMQRNLCTL

ClinVar aggregate classification (germline): Uncertain significance. Review status: criteria provided, multiple submitters, no conflicts (2 of 4 stars). 3 submissions from 3 submitters: Uncertain significance (3). Last evaluated 2025-04-18.

Conditions:
Autosomal recessive limb-girdle muscular dystrophy type 2J (LGMDR10). Also called: Limb-girdle muscular dystrophy, type 2J; MUSCULAR DYSTROPHY, LIMB-GIRDLE, AUTOSOMAL RECESSIVE 10. Identifiers: Orphanet 140922, MedGen C1837342, MONDO:0012127, OMIM 608807.
Dilated cardiomyopathy 1G (CMD1G). Identifiers: Orphanet 154, MedGen C1858763, MONDO:0011400, OMIM 604145.

Allele frequency attached by ClinVar (database versions not stated): gnomAD exomes 0.00001 and 0.00002; ExAC 0.00003; ESP Exome Variant Server 0.00008; gnomAD 0.00009 and 0.00010; TOPMed 0.00010.
gnomAD v4.1: 26 of 1,611,400 alleles (0.0016%); highest among the groups gnomAD compares: African/African-American, 0.033%; no homozygotes.

Submissions (3):

Women's Health and Genetics/Laboratory Corporation of America, LabCorp
Classification: Uncertain significance. Last evaluated: 2025-04-18. Review status: criteria provided, single submitter. Criteria: LabCorp Variant Classification Summary - May 2015. Collection method: clinical testing. Allele origin: germline.
Comment: Variant summary: TTN c.58027A>G (p.Lys19343Glu) results in a conservative amino acid change located in the A-band region of the encoded protein sequence. Two of four in-silico tools predict a benign effect of the variant on protein function. The variant allele was found at a frequency of 1.6e-05 in 1604414 control chromosomes, predominantly at a frequency of 0.00033 within the African or African-American subpopulation in the gnomAD database (v4.1 dataset). This frequency is somewhat lower than the maximum estimated for a pathogenic variant in TTN causing Dilated Cardiomyopathy (0.00039), allowing no clear conclusions about variant significance. To our knowledge, no occurrence of c.58027A>G in individuals affected with Dilated Cardiomyopathy and no experimental evidence demonstrating its impact on protein function have been reported. ClinVar contains an entry for this variant (Variation ID: 467383). Based on the evidence outlined above, the variant was classified as uncertain significance.

Revvity Omics, Revvity
Classification: Uncertain significance. Last evaluated: 2023-07-19. Review status: criteria provided, single submitter. Criteria: ACMG Guidelines, 2015. Collection method: clinical testing. Allele origin: germline.

Labcorp Genetics (formerly Invitae), Labcorp
Classification: Uncertain significance for Dilated cardiomyopathy 1G; Autosomal recessive limb-girdle muscular dystrophy type 2J. Last evaluated: 2017-11-04. Review status: criteria provided, single submitter. Criteria: Invitae Variant Classification Sherloc (09022015). Collection method: clinical testing. Allele origin: germline.